The following is an entry in ClinVar:

ClinVar aggregate classification (germline): Uncertain significance. Review status: criteria provided, multiple submitters, no conflicts (2 of 4 stars). 5 submissions from 5 submitters: Uncertain significance (4). 1 of the submissions does not count toward it. Last evaluated 2024-06-21.

Conditions:
Cystic fibrosis (CF). Also called: MUCOVISCIDOSIS. Identifiers: Orphanet 586, MedGen C0010674, MONDO:0009061, OMIM 219700. Disease mechanism: loss of function.

Allele frequency attached by ClinVar (database versions not stated): gnomAD 0.00001; TOPMed 0.00001; gnomAD exomes below 0.00001.
gnomAD v4.1: 3 of 1,613,996 alleles (0.00019%); highest among the groups gnomAD compares: Admixed American, 0.0017%; no homozygotes.

Submissions (5):

Labcorp Genetics (formerly Invitae), Labcorp
Classification: Uncertain significance for Cystic fibrosis. Last evaluated: 2024-06-21. Review status: criteria provided, single submitter. Criteria: Invitae Variant Classification Sherloc (09022015). Collection method: clinical testing. Allele origin: germline.
Comment: This sequence change replaces tryptophan, which is neutral and slightly polar, with cysteine, which is neutral and slightly polar, at codon 216 of the CFTR protein (p.Trp216Cys). This variant is not present in population databases (gnomAD no frequency). This missense change has been observed in individual(s) with CFTR-related conditions (PMID: 22859523). ClinVar contains an entry for this variant (Variation ID: 54034). Advanced modeling of protein sequence and biophysical properties (such as structural, functional, and spatial information, amino acid conservation, physicochemical variation, residue mobility, and thermodynamic stability) performed at Invitae indicates that this missense variant is expected to disrupt CFTR protein function with a positive predictive value of 80%. Algorithms developed to predict the effect of sequence changes on RNA splicing suggest that this variant may disrupt the consensus splice site. In summary, the available evidence is currently insufficient to determine the role of this variant in disease. Therefore, it has been classified as a Variant of Uncertain Significance.

Genome-Nilou Lab
Classification: Uncertain significance for Cystic fibrosis. Last evaluated: 2021-09-05. Review status: criteria provided, single submitter. Criteria: ACMG Guidelines, 2015. Collection method: clinical testing. Allele origin: germline. Affected: no.

Ambry Genetics
Classification: Uncertain significance for Cystic fibrosis. Last evaluated: 2021-02-04. Review status: criteria provided, single submitter. Criteria: Ambry Variant Classification Scheme 2023. Collection method: clinical testing. Allele origin: germline.
Comment: The p.W216C variant (also known as c.648G>T), located in coding exon 6 of the CFTR gene, results from a G to T substitution at nucleotide position 648. The tryptophan at codon 216 is replaced by cysteine, an amino acid with highly dissimilar properties. This alteration (in conjunction with CFTR p.L206W) has been identified in an individual with congenital bilateral absence of the vas deferens (CBAVD) (Quinton P et al. Am J Respir Crit Care Med 2012 Oct;186(8):732-9). This amino acid position is highly conserved in available vertebrate species. In addition, this alteration is predicted to be deleterious by in silico analysis. Since supporting evidence is limited at this time, the clinical significance of this alteration remains unclear.

Eurofins Ntd Llc (ga)
Classification: Uncertain significance. Last evaluated: 2018-06-12. Review status: criteria provided, single submitter. Criteria: EGL ClinVar v180209 classification definitions. Collection method: clinical testing. Allele origin: germline. Observed: 1 variant allele, 1 heterozygote.

Counsyl
Classification: Uncertain significance for Cystic fibrosis. Last evaluated: 2017-03-02. Review status: no assertion criteria provided. Collection method: clinical testing. Allele origin: unknown. Not counted in ClinVar's aggregate classification.

Literature cited by the submitters: PubMed 22859523 (cited by Labcorp Genetics (formerly Invitae), Labcorp).

NM_000492.4(CFTR):c.648G>T (p.Trp216Cys)

Gene: CFTR (CF transmembrane conductance regulator; plus strand). Cytogenetic location: 7q31.2.
Variant type: single nucleotide variant.
Coding change: c.648G>T on transcript NM_000492.4 (MANE Select); coding-DNA position 648, G replaced by T.
Protein change: p.Trp216Cys; replaces tryptophan 216 with cysteine.
Molecular consequence: missense variant.
Genome position (GRCh38, 1-based): chr7:117,535,316, G>T. VCF-style: chr7-117535316-G-T. GRCh37 (hg19) VCF-style: chr7-117175370-G-T.
Other names: short protein forms W216C.
Identifiers: ClinVar variation 54034 (VCV000054034.12), dbSNP rs397508776, ClinGen allele CA327614.